The following is an entry in ClinVar:

NM_005188.2:c.1227+2_1227+3delTACinsAAG

Gene: CBL (Cbl proto-oncogene; plus strand). Cytogenetic location: 11q23.3.
Variant type: Insertion.
Identifiers: ClinVar variation 180826 (VCV000180826.1).

ClinVar aggregate classification (germline): Pathogenic (1 of 4 stars; one submission).

Conditions:
RASopathy. Also called: rasopathies; Noonan spectrum disorder. Identifiers: Orphanet 536391, MedGen C5555857, MONDO:0021060.

Submission:

GeneDx
Classification: Pathogenic for Rasopathy. Last evaluated: 2013-01-21. Review status: criteria provided, single submitter. Criteria: GeneDx Variant Classification (06012015). Collection method: clinical testing. Allele origin: germline. Affected: yes.
Comment: This mutation is denoted c.1227+2_c.1227+4delinsAAG at the protein level. Using uppercase letters to denote exonic sequence and lowercase letters to denote intronic sequence, the normal sequence with the bases that are deleted in braces and the bases that are inserted in brackets is: CAGg{tac}[aag]ggat (NM_005188.2). The c.1227+2_c.1227+4delinsAAG mutation in exon 8 of the CBL gene has not been reported as a disease-causing mutation or as a benign polymorphism to our knowledge. This mutation is predicted to destroy the canonical splice donor site of intron 8 in the CBL gene. Splicing mutations in CBL in the homozygous state due to uniparental disomy or somatic loss of heterozygousity (LOH) have been reported in association with juvenile myelomonocytic leukemia (JMML) (Loh et al., 2009). We interpret c.1227+2_c.1227+4delinsAAG as a disease-causing mutation. The variant is found in NOONAN panel(s).